The following is an entry in ClinVar:

NM_002470.4(MYH3):c.3607G>A (p.Glu1203Lys)

Gene: MYH3 (myosin heavy chain 3; minus strand). Cytogenetic location: 17p13.1.
Variant type: single nucleotide variant.
Coding change: c.3607G>A on transcript NM_002470.4 (MANE Select); coding-DNA position 3607, G replaced by A.
Protein change: p.Glu1203Lys; replaces glutamic acid 1203 with lysine.
Molecular consequence: missense variant.
Genome position (GRCh38, 1-based): chr17:10,638,165, C>T on the plus strand (G>A on the coding strand, the complement: MYH3 is on the minus strand). VCF-style: chr17-10638165-C-T. GRCh37 (hg19) VCF-style: chr17-10541482-C-T.
Other names: c.3607G>A (NM_002470.3); short protein forms E1203K.
Identifiers: ClinVar variation 2188634 (VCV002188634.5), dbSNP rs1223550924, ClinGen allele CA398151108.

ClinVar aggregate classification (germline): Uncertain significance. Review status: criteria provided, multiple submitters, no conflicts (2 of 4 stars). 2 submissions from 2 submitters: Uncertain significance (2). Last evaluated 2026-09-01.

Conditions:
Inborn genetic diseases. Identifiers: MedGen C0950123, MeSH D030342.

Allele frequency attached by ClinVar (database versions not stated): TOPMed 0.00002.
gnomAD v4.1: 9 of 1,613,876 alleles (0.00056%); highest among the groups gnomAD compares: Admixed American, 0.005%; no homozygotes.

Submissions (2):

Ambry Genetics
Classification: Uncertain significance for Inborn genetic diseases. Last evaluated: 2026-09-01. Review status: criteria provided, single submitter. Criteria: Ambry Variant Classification Scheme 2023. Collection method: clinical testing. Allele origin: germline.

Labcorp Genetics (formerly Invitae), Labcorp
Classification: Uncertain significance. Last evaluated: 2025-11-27. Review status: criteria provided, single submitter. Criteria: Invitae Variant Classification Sherloc (09022015). Collection method: clinical testing. Allele origin: germline.
Comment: This sequence change replaces glutamic acid, which is acidic and polar, with lysine, which is basic and polar, at codon 1203 of the MYH3 protein (p.Glu1203Lys). This variant is present in population databases (no rsID available, gnomAD 0.008%). This variant has not been reported in the literature in individuals affected with MYH3-related conditions. ClinVar contains an entry for this variant (Variation ID: 2188634). Invitae Evidence Modeling of protein sequence and biophysical properties (such as structural, functional, and spatial information, amino acid conservation, physicochemical variation, residue mobility, and thermodynamic stability) indicates that this missense variant is not expected to disrupt MYH3 protein function with a negative predictive value of 95%. In summary, the available evidence is currently insufficient to determine the role of this variant in disease. Therefore, it has been classified as a Variant of Uncertain Significance.